The following is an entry in ClinVar:

ClinVar aggregate classification (germline): Uncertain significance (1 of 4 stars; one submission).

Conditions:
Epidermolysis bullosa simplex 3, localized or generalized intermediate, with BP230 deficiency (EBS3). Also called: Epidermolysis bullosa simplex due to BP230 deficiency; Epidermolysis bullosa simplex, autosomal recessive 2. Identifiers: Orphanet 412181, MedGen C3809470, MONDO:0014180, OMIM 615425.
Hereditary sensory and autonomic neuropathy type 6. Also called: HSAN VI; Neuropathy, hereditary sensory and autonomic, type VI. Identifiers: Orphanet 314381, MedGen C3539003, MONDO:0013839, OMIM 614653.

Allele frequency attached by ClinVar (database versions not stated): gnomAD exomes 0.00001; ExAC 0.00002; gnomAD 0.00003 and 0.00004; TOPMed 0.00003.
gnomAD v4.1: 19 of 1,613,578 alleles (0.0012%); highest among the groups gnomAD compares: Middle Eastern, 0.016%; no homozygotes.

Submission:

Labcorp Genetics (formerly Invitae), Labcorp
Classification: Uncertain significance for Epidermolysis bullosa simplex 3, localized or generalized intermediate, with BP230 deficiency; Hereditary sensory and autonomic neuropathy type 6. Last evaluated: 2022-08-06. Review status: criteria provided, single submitter. Criteria: Invitae Variant Classification Sherloc (09022015). Collection method: clinical testing. Allele origin: germline.
Comment: This sequence change replaces isoleucine, which is neutral and non-polar, with methionine, which is neutral and non-polar, at codon 2365 of the DST protein (p.Ile2365Met). This variant is present in population databases (rs776367127, gnomAD 0.008%). This variant has not been reported in the literature in individuals affected with DST-related conditions. ClinVar contains an entry for this variant (Variation ID: 1441455). Algorithms developed to predict the effect of missense changes on protein structure and function are either unavailable or do not agree on the potential impact of this missense change (SIFT: "Deleterious"; PolyPhen-2: "Benign"; Align-GVGD: "Class C0"). Algorithms developed to predict the effect of sequence changes on RNA splicing suggest that this variant may create or strengthen a splice site. In summary, the available evidence is currently insufficient to determine the role of this variant in disease. Therefore, it has been classified as a Variant of Uncertain Significance.

NM_001723.7(DST):c.7095A>G (p.Ile2365Met)

Gene: DST (dystonin; minus strand). Cytogenetic location: 6p12.1.
Variant type: single nucleotide variant.
Coding change: c.7095A>G on transcript NM_001723.7 (MANE Plus Clinical); coding-DNA position 7095, A replaced by G.
Protein change: p.Ile2365Met; replaces isoleucine 2365 with methionine.
Molecular consequence: missense variant. On other transcripts: intron variant (10).
Genome position (GRCh38, 1-based): chr6:56,616,372, T>C on the plus strand (A>G on the coding strand, the complement: DST is on the minus strand). VCF-style: chr6-56616372-T-C. GRCh37 (hg19) VCF-style: chr6-56481170-T-C.
Other names: c.4831-1888A>G (NM_001144769.5); c.4930-1888A>G (NM_001374722.1, NM_001374736.1); c.4957-1888A>G (NM_001374734.1); c.4417-1888A>G (NM_001144770.2); c.4297-1888A>G (NM_001374730.1, NM_001386100.1, NM_183380.4 and 1 more transcripts); c.3319-1888A>G (NM_015548.5); short protein forms I2365M.
Identifiers: ClinVar variation 1441455 (VCV001441455.3), dbSNP rs776367127, ClinGen allele CA3870026.